The following is an entry in ClinVar:

ClinVar aggregate classification (germline): Uncertain significance (1 of 4 stars; one submission).

Allele frequency attached by ClinVar (database versions not stated): gnomAD exomes 0.00001.
gnomAD v4.1: 11 of 1,614,060 alleles (0.00068%); highest among the groups gnomAD compares: Non-Finnish European, 0.00093%; no homozygotes.

Submission:

GeneDx
Classification: Uncertain significance. Last evaluated: 2022-10-24. Review status: criteria provided, single submitter. Criteria: GeneDx Variant Classification Process June 2021. Collection method: clinical testing. Allele origin: germline. Affected: yes.
Comment: Not observed at significant frequency in large population cohorts (gnomAD); In silico analysis supports that this missense variant has a deleterious effect on protein structure/function; Has not been previously published as pathogenic or benign to our knowledge

NM_001457.4(FLNB):c.4076G>T (p.Gly1359Val)

Gene: FLNB (filamin B; plus strand). Cytogenetic location: 3p14.3.
Variant type: single nucleotide variant.
Coding change: c.4076G>T on transcript NM_001457.4 (MANE Select); coding-DNA position 4076, G replaced by T.
Protein change: p.Gly1359Val; replaces glycine 1359 with valine.
Molecular consequence: missense variant.
Genome position (GRCh38, 1-based): chr3:58,126,616, G>T. VCF-style: chr3-58126616-G-T. GRCh37 (hg19) VCF-style: chr3-58112343-G-T.
Other names: c.4076G>T, p.Gly1359Val (NM_001164317.2, NM_001164318.2, NM_001164319.2); short protein forms G1359V.
Identifiers: ClinVar variation 2500559 (VCV002500559.1), dbSNP rs762916176, ClinGen allele CA353350143.
Genomic context (GRCh38, chr3:58,126,616, plus strand): 5'-CATAAATAAATGGTGCACATTTCACTTTCTTTTCCACTCTTTCCAGAGGCGCAGGAATTG[G>T]TGGGCTTGGCATAACTGTTGAGGGACCATCAGAGTCGAAGATAAATTGCAGAGACAACAA-3'
Protein context (NP_001448.2, residues 1349-1369): FTVVTRGAGI[Gly1359Val]GLGITVEGPS